The following is an entry in ClinVar:

NM_001100913.3(PACS2):c.2138C>G (p.Ala713Gly)

Gene: PACS2 (phosphofurin acidic cluster sorting protein 2; plus strand). Cytogenetic location: 14q32.33.
Variant type: single nucleotide variant.
Coding change: c.2138C>G on transcript NM_001100913.3 (MANE Select); coding-DNA position 2138, C replaced by G.
Protein change: p.Ala713Gly; replaces alanine 713 with glycine.
Molecular consequence: missense variant.
Genome position (GRCh38, 1-based): chr14:105,391,649, C>G. VCF-style: chr14-105391649-C-G. GRCh37 (hg19) VCF-style: chr14-105857986-C-G.
Other names: c.1868C>G, p.Ala623Gly (NM_001243127.3); c.2093C>G, p.Ala698Gly (NM_015197.4); short protein forms A623G, A698G, A713G.
Identifiers: ClinVar variation 2752535 (VCV002752535.3), dbSNP rs2544888735, ClinGen allele CA391185726.

ClinVar aggregate classification (germline): Uncertain significance (1 of 4 stars; one submission).

Submission:

Labcorp Genetics (formerly Invitae), Labcorp
Classification: Uncertain significance. Last evaluated: 2023-09-27. Review status: criteria provided, single submitter. Criteria: Invitae Variant Classification Sherloc (09022015). Collection method: clinical testing. Allele origin: germline.
Comment: This sequence change replaces alanine, which is neutral and non-polar, with glycine, which is neutral and non-polar, at codon 713 of the PACS2 protein (p.Ala713Gly). This variant is not present in population databases (gnomAD no frequency). This variant has not been reported in the literature in individuals affected with PACS2-related conditions. Advanced modeling of protein sequence and biophysical properties (such as structural, functional, and spatial information, amino acid conservation, physicochemical variation, residue mobility, and thermodynamic stability) performed at Invitae indicates that this missense variant is not expected to disrupt PACS2 protein function. In summary, the available evidence is currently insufficient to determine the role of this variant in disease. Therefore, it has been classified as a Variant of Uncertain Significance.